The following is an entry in ClinVar:

ClinVar aggregate classification (germline): Likely benign. Review status: criteria provided, multiple submitters, no conflicts (2 of 4 stars). 2 submissions from 2 submitters: Likely benign (2). Last evaluated 2024-11-07.

Conditions:
RAX2-related disorder. Also called: RAX2-related disorders; RAX2-related condition.

Allele frequency attached by ClinVar (database versions not stated): TOPMed 0.00002; gnomAD 0.00003.
gnomAD v4.1: 10 of 1,606,214 alleles (0.00062%); highest among the groups gnomAD compares: Admixed American, 0.014%; no homozygotes.

Submissions (2):

PreventionGenetics, part of Exact Sciences
Classification: Likely benign for RAX2-related condition. Last evaluated: 2024-11-07. Review status: criteria provided, single submitter. Criteria: ACMG Guidelines, 2015. Collection method: clinical testing. Allele origin: germline.
Comment: This variant is classified as likely benign based on ACMG/AMP sequence variant interpretation guidelines (Richards et al. 2015 PMID: 25741868, with internal and published modifications).

Labcorp Genetics (formerly Invitae), Labcorp
Classification: Likely benign. Last evaluated: 2024-02-08. Review status: criteria provided, single submitter. Criteria: Invitae Variant Classification Sherloc (09022015). Collection method: clinical testing. Allele origin: germline.

NM_001319074.4(RAX2):c.195C>T (p.His65=)

Gene: RAX2 (retina and anterior neural fold homeobox 2; minus strand). Cytogenetic location: 19p13.3.
Variant type: single nucleotide variant.
Coding change: c.195C>T on transcript NM_001319074.4 (MANE Select); coding-DNA position 195, C replaced by T.
Protein change: p.His65=; no amino-acid change (histidine 65 retained).
Molecular consequence: synonymous variant.
Genome position (GRCh38, 1-based): chr19:3,771,548, G>A on the plus strand (C>T on the coding strand, the complement: RAX2 is on the minus strand). VCF-style: chr19-3771548-G-A. GRCh37 (hg19) VCF-style: chr19-3771546-G-A.
Other names: c.195C>T, p.His65= (NM_032753.4); c.195C>T (NM_032753.3).
Identifiers: ClinVar variation 1674386 (VCV001674386.9), dbSNP rs1252557730, ClinGen allele CA504979340.